The following is an entry in ClinVar:

NM_003797.5(EED):c.268-3T>C

Gene: EED (embryonic ectoderm development; plus strand). Cytogenetic location: 11q14.2.
Variant type: single nucleotide variant.
Coding change: c.268-3T>C on transcript NM_003797.5 (MANE Select); 3 bases into the intron before coding-DNA position 268, T replaced by C.
Molecular consequence: intron variant.
Genome position (GRCh38, 1-based): chr11:86,252,145, T>C. VCF-style: chr11-86252145-T-C. GRCh37 (hg19) VCF-style: chr11-85963187-T-C.
Other names: c.268-3T>C (NM_001308007.2, NM_001330334.2, NM_003797.3).
Identifiers: ClinVar variation 1499255 (VCV001499255.7), dbSNP rs200197749, ClinGen allele CA6216374.

ClinVar aggregate classification (germline): Conflicting classifications of pathogenicity. Review status: criteria provided, conflicting classifications (1 of 4 stars). 2 submissions from 2 submitters: Uncertain significance (1); Likely benign (1). Last evaluated 2025-09-02.

Conditions:
Inborn genetic diseases. Identifiers: MedGen C0950123, MeSH D030342.
Cohen-Gibson syndrome (COGIS). Also called: EED-Related Overgrowth. Identifiers: Orphanet 659396, MedGen C4479654, MONDO:0060510, OMIM 617561.

Allele frequency attached by ClinVar (database versions not stated): gnomAD 0.00007; ExAC 0.00011; TOPMed 0.00011; gnomAD exomes 0.00013 and 0.00014; ESP Exome Variant Server 0.00023.
gnomAD v4.1: 207 of 1,606,122 alleles (0.013%); highest among the groups gnomAD compares: Non-Finnish European, 0.017%; no homozygotes.

Submissions (2):

Labcorp Genetics (formerly Invitae), Labcorp
Classification: Uncertain significance for Cohen-Gibson syndrome. Last evaluated: 2025-09-02. Review status: criteria provided, single submitter. Criteria: Invitae Variant Classification Sherloc (09022015). Collection method: clinical testing. Allele origin: germline.
Comment: This sequence change falls in intron 2 of the EED gene. It does not directly change the encoded amino acid sequence of the EED protein. It affects a nucleotide within the consensus splice site. This variant is present in population databases (rs200197749, gnomAD 0.02%). This variant has not been reported in the literature in individuals affected with EED-related conditions. ClinVar contains an entry for this variant (Variation ID: 1499255). Variants that disrupt the consensus splice site are a relatively common cause of aberrant splicing (PMID: 17576681, 9536098). Algorithms developed to predict the effect of sequence changes on RNA splicing suggest that this variant is not likely to affect RNA splicing. In summary, the available evidence is currently insufficient to determine the role of this variant in disease. Therefore, it has been classified as a Variant of Uncertain Significance.

Ambry Genetics
Classification: Likely benign for Inborn genetic diseases. Last evaluated: 2022-02-09. Review status: criteria provided, single submitter. Criteria: Ambry Variant Classification Scheme 2023. Collection method: clinical testing. Allele origin: germline.

Literature cited by the submitters: PubMed 17576681 (cited by Labcorp Genetics (formerly Invitae), Labcorp); PubMed 9536098 (cited by Labcorp Genetics (formerly Invitae), Labcorp).